The following is an entry in ClinVar:

ClinVar aggregate classification (germline): Likely benign (1 of 4 stars; one submission).

Conditions:
SEMA3F-related disorder. Also called: SEMA3F-related condition.

gnomAD v4.1: 2 of 1,613,874 alleles (0.00012%); highest among the groups gnomAD compares: Non-Finnish European, 0.00017%; no homozygotes.

Submission:

PreventionGenetics, part of Exact Sciences
Classification: Likely benign for SEMA3F-related condition. Last evaluated: 2025-12-09. Review status: criteria provided, single submitter. Criteria: ACMG Guidelines, 2015. Collection method: clinical testing. Allele origin: germline.
Comment: This variant is classified as likely benign based on ACMG/AMP sequence variant interpretation guidelines (Richards et al. 2015 PMID: 25741868, with internal and published modifications).

NM_004186.5(SEMA3F):c.1089-8G>A

Gene: SEMA3F (semaphorin 3F; plus strand). Cytogenetic location: 3p21.31.
Variant type: single nucleotide variant.
Coding change: c.1089-8G>A on transcript NM_004186.5 (MANE Select); 8 bases into the intron before coding-DNA position 1089, G replaced by A.
Molecular consequence: intron variant.
Genome position (GRCh38, 1-based): chr3:50,183,412, G>A. VCF-style: chr3-50183412-G-A. GRCh37 (hg19) VCF-style: chr3-50220845-G-A.
Other names: c.792-8G>A (NM_001318798.2); c.996-8G>A (NM_001318800.2).
Identifiers: ClinVar variation 4993552 (VCV004993552.1).